The following is an entry in ClinVar:

ClinVar aggregate classification (germline): Uncertain significance. Review status: criteria provided, multiple submitters, no conflicts (2 of 4 stars). 4 submissions from 4 submitters: Uncertain significance (4). Last evaluated 2025-07-16.

Conditions:
Inborn genetic diseases. Identifiers: MedGen C0950123, MeSH D030342.

Allele frequency attached by ClinVar (database versions not stated): TOPMed below 0.00001; gnomAD 0.00001; gnomAD exomes 0.00003; ExAC 0.00004.
gnomAD v4.1: 46 of 1,551,914 alleles (0.003%); highest among the groups gnomAD compares: Non-Finnish European, 0.0038%; no homozygotes.

Submissions (4):

GeneDx
Classification: Uncertain significance. Last evaluated: 2025-07-16. Review status: criteria provided, single submitter. Criteria: GeneDx Variant Classification Process June 2021. Collection method: clinical testing. Allele origin: germline. Affected: yes.
Comment: In silico analysis suggests that this missense variant does not alter protein structure/function; Has not been previously published as pathogenic or benign to our knowledge

CeGaT Center for Human Genetics Tuebingen
Classification: Uncertain significance. Last evaluated: 2025-03-01. Review status: criteria provided, single submitter. Criteria: CeGaT Center For Human Genetics Tuebingen Variant Classification Criteria Version 2. Collection method: clinical testing. Allele origin: germline. Affected: yes. Observed: 2 variant alleles.
Comment: UNC80: PM2, PM3:Supporting

Ambry Genetics
Classification: Uncertain significance for Inborn genetic diseases. Last evaluated: 2024-05-24. Review status: criteria provided, single submitter. Criteria: Ambry Variant Classification Scheme 2023. Collection method: clinical testing. Allele origin: germline.

Labcorp Genetics (formerly Invitae), Labcorp
Classification: Uncertain significance. Last evaluated: 2021-08-26. Review status: criteria provided, single submitter. Criteria: Invitae Variant Classification Sherloc (09022015). Collection method: clinical testing. Allele origin: germline.
Comment: This sequence change replaces alanine with serine at codon 1340 of the UNC80 protein (p.Ala1340Ser). The alanine residue is moderately conserved and there is a moderate physicochemical difference between alanine and serine. This variant is present in population databases (rs779770255, ExAC 0.01%). This variant has not been reported in the literature in individuals affected with UNC80-related conditions. Algorithms developed to predict the effect of missense changes on protein structure and function are either unavailable or do not agree on the potential impact of this missense change (SIFT: "Not Available"; PolyPhen-2: "Probably Damaging"; Align-GVGD: "Not Available"). In summary, the available evidence is currently insufficient to determine the role of this variant in disease. Therefore, it has been classified as a Variant of Uncertain Significance.

NM_001371986.1(UNC80):c.4012G>T (p.Ala1338Ser)

Gene: UNC80 (unc-80 subunit of NALCN channel complex; plus strand). Cytogenetic location: 2q34.
Variant type: single nucleotide variant.
Coding change: c.4012G>T on transcript NM_001371986.1 (MANE Select); coding-DNA position 4012, G replaced by T.
Protein change: p.Ala1338Ser; replaces alanine 1338 with serine.
Molecular consequence: missense variant.
Genome position (GRCh38, 1-based): chr2:209,880,996, G>T. VCF-style: chr2-209880996-G-T. GRCh37 (hg19) VCF-style: chr2-210745720-G-T.
Other names: c.4018G>T, p.Ala1340Ser (NM_032504.2); c.4003G>T, p.Ala1335Ser (NM_182587.4); c.4018G>T (NM_032504.1); short protein forms A1338S, A1340S, A1335S.
Identifiers: ClinVar variation 1451015 (VCV001451015.12), dbSNP rs779770255, ClinGen allele CA2083172.